The following is an entry in ClinVar:

NM_001127222.2(CACNA1A):c.622G>A (p.Gly208Arg)

Gene: CACNA1A (calcium voltage-gated channel subunit alpha1 A; minus strand). Cytogenetic location: 19p13.13.
Variant type: single nucleotide variant.
Coding change: c.622G>A on transcript NM_001127222.2 (MANE Select); coding-DNA position 622, G replaced by A.
Protein change: p.Gly208Arg; replaces glycine 208 with arginine.
Molecular consequence: missense variant.
Genome position (GRCh38, 1-based): chr19:13,371,697, C>T on the plus strand (G>A on the coding strand, the complement: CACNA1A is on the minus strand). VCF-style: chr19-13371697-C-T. GRCh37 (hg19) VCF-style: chr19-13482511-C-T.
Other names: c.622G>A, p.Gly208Arg (NM_000068.4, NM_001127221.2, NM_001174080.2 and 1 more transcripts); short protein forms G208R.
Identifiers: ClinVar variation 585580 (VCV000585580.5), dbSNP rs1568581246, ClinGen allele CA404350701.

ClinVar aggregate classification (germline): Uncertain significance. Review status: criteria provided, multiple submitters, no conflicts (2 of 4 stars). 3 submissions from 3 submitters: Uncertain significance (3). Last evaluated 2024-07-19.

Conditions:
Inborn genetic diseases. Identifiers: MedGen C0950123, MeSH D030342.
Episodic ataxia type 2 (EA2). Also called: ACETAZOLAMIDE-RESPONSIVE HEREDITARY PAROXYSMAL CEREBELLAR ATAXIA; CEREBELLAR ATAXIA, PAROXYSMAL, ACETAZOLAMIDE-RESPONSIVE; CEREBELLOPATHY, HEREDITARY PAROXYSMAL; EPISODIC ATAXIA, NYSTAGMUS-ASSOCIATED; ATAXIA, EPISODIC, WITH NYSTAGMUS; ATAXIA, FAMILIAL PAROXYSMAL. Identifiers: Orphanet 97, MedGen C1720416, MONDO:0007163, OMIM 108500.
Developmental and epileptic encephalopathy, 42 (DEE42A). Also called: DEVELOPMENTAL AND EPILEPTIC ENCEPHALOPATHY 42A; EPILEPTIC ENCEPHALOPATHY, EARLY INFANTILE, 42A; Epileptic encephalopathy, early infantile, 42. Identifiers: MedGen C4310716, MONDO:0014917, OMIM 617106.

Submissions (3):

Labcorp Genetics (formerly Invitae), Labcorp
Classification: Uncertain significance for Developmental and epileptic encephalopathy, 42; Episodic ataxia type 2. Last evaluated: 2024-07-19. Review status: criteria provided, single submitter. Criteria: Invitae Variant Classification Sherloc (09022015). Collection method: clinical testing. Allele origin: germline.
Comment: This sequence change replaces glycine, which is neutral and non-polar, with arginine, which is basic and polar, at codon 208 of the CACNA1A protein (p.Gly208Arg). This variant is not present in population databases (gnomAD no frequency). This missense change has been observed in individuals with hemiplegic migraine (PMID: 31967333; Invitae). ClinVar contains an entry for this variant (Variation ID: 585580). Advanced modeling of protein sequence and biophysical properties (such as structural, functional, and spatial information, amino acid conservation, physicochemical variation, residue mobility, and thermodynamic stability) has been performed at Invitae for this missense variant, however the output from this modeling did not meet the statistical confidence thresholds required to predict the impact of this variant on CACNA1A protein function. In summary, the available evidence is currently insufficient to determine the role of this variant in disease. Therefore, it has been classified as a Variant of Uncertain Significance.

Athena Diagnostics
Classification: Uncertain significance. Last evaluated: 2018-05-21. Review status: criteria provided, single submitter. Criteria: Athena Diagnostics Criteria. Collection method: clinical testing. Allele origin: germline.

Ambry Genetics
Classification: Uncertain significance for Inborn genetic diseases. Last evaluated: 2018-01-03. Review status: criteria provided, single submitter. Criteria: Ambry Variant Classification Scheme 2023. Collection method: clinical testing. Allele origin: germline.
Comment: The p.G208R variant (also known as c.622G>A), located in coding exon 4 of the CACNA1A gene, results from a G to A substitution at nucleotide position 622. The glycine at codon 208 is replaced by arginine, an amino acid with dissimilar properties. This amino acid position is highly conserved in available vertebrate species. In addition, this alteration is predicted to be deleterious by in silico analysis. Since supporting evidence is limited at this time, the clinical significance of this alteration remains unclear.

Literature cited by the submitters: PubMed 31967333 (cited by Labcorp Genetics (formerly Invitae), Labcorp).